The following is an entry in ClinVar:

ClinVar aggregate classification (germline): Pathogenic (1 of 4 stars; one submission).

Conditions:
X-linked myopathy with postural muscle atrophy. Also called: FHL1-Related Emery-Dreifuss Muscular Dystrophy, X-Linked. Identifiers: Orphanet 178461, MedGen C2678055, MONDO:0010401, OMIM 300696.

Submission:

Labcorp Genetics (formerly Invitae), Labcorp
Classification: Pathogenic for X-linked myopathy with postural muscle atrophy. Last evaluated: 2022-12-04. Review status: criteria provided, single submitter. Criteria: Invitae Variant Classification Sherloc (09022015). Collection method: clinical testing. Allele origin: germline.
Comment: For these reasons, this variant has been classified as Pathogenic. This variant disrupts a region of the FHL1 protein in which other variant(s) (p.Cys276Tyr) have been determined to be pathogenic (PMID: 19716112, 22523091, 24634512). This suggests that this is a clinically significant region of the protein, and that variants that disrupt it are likely to be disease-causing. This variant has not been reported in the literature in individuals affected with FHL1-related conditions. This variant is not present in population databases (gnomAD no frequency). This sequence change results in a frameshift in the FHL1 gene (p.Cys255Trpfs*29). While this is not anticipated to result in nonsense mediated decay, it is expected to disrupt the last 26 amino acid(s) of the FHL1 protein and extend the protein by 2 additional amino acid residues.

Literature cited by the submitters: PubMed 19716112; PubMed 22523091; PubMed 24634512.

NM_001159699.2(FHL1):c.812dup (p.Cys271fs)

Gene: FHL1 (four and a half LIM domains 1; plus strand). Cytogenetic location: Xq26.3.
Variant type: Duplication.
Coding change: c.812dup on transcript NM_001159699.2 (MANE Select); coding-DNA position 812, one base duplicated (G; older notation c.812dupG).
Protein change: p.Cys271fs; shifts the reading frame from cysteine 271.
Molecular consequence: frameshift variant. On other transcripts: non-coding transcript variant (1).
Genome position (GRCh38, 1-based): chrX:136,209,946, G duplicated. VCF-style (leftmost placement, unchanged base first): chrX-136209945-T-TG. GRCh37 (hg19) VCF-style: chrX-135292104-T-TG.
Other names: c.764dup, p.Cys255fs (NM_001159700.2, NM_001159704.1, NM_001167819.1 and 4 more transcripts); c.851dup, p.Cys284fs (NM_001159701.2); c.964dup, p.Ala322fs (NM_001159702.3, NM_001369326.1, NM_001369327.2 and 1 more transcripts); c.577dup, p.Ala193fs (NM_001159703.2); c.625dup, p.Ala209fs (NM_001330659.2); short protein forms A209fs, C255fs, C271fs, C284fs, A193fs, A322fs.
Identifiers: ClinVar variation 2017453 (VCV002017453.4), dbSNP rs2521336101, ClinGen allele CA2580101597.